The following is an entry in ClinVar:

NM_001256071.3(RNF213):c.6042C>T (p.Asn2014=)

Gene: RNF213 (ring finger protein 213; plus strand). Cytogenetic location: 17q25.3.
Variant type: single nucleotide variant.
Coding change: c.6042C>T on transcript NM_001256071.3 (MANE Select); coding-DNA position 6042, C replaced by T.
Protein change: p.Asn2014=; no amino-acid change (asparagine 2014 retained).
Molecular consequence: synonymous variant.
Genome position (GRCh38, 1-based): chr17:80,343,184, C>T. VCF-style: chr17-80343184-C-T. GRCh37 (hg19) VCF-style: chr17-78316984-C-T.
Other names: p.Asn2014=.
Identifiers: ClinVar variation 732554 (VCV000732554.13), dbSNP rs140244096, ClinGen allele CA8820424.

ClinVar aggregate classification (germline): Benign/Likely benign. Review status: criteria provided, multiple submitters, no conflicts (2 of 4 stars). 5 submissions from 5 submitters: Benign (3); Likely benign (2). Last evaluated 2026-08-01.

Allele frequency attached by ClinVar (database versions not stated): ESP Exome Variant Server 0.00077; gnomAD 0.00137 and 0.00146; TOPMed 0.00159; 1000 Genomes Project 30x 0.00234; 1000 Genomes Project 0.00260.
gnomAD v4.1: 2,280 of 1,613,996 alleles (0.14%); highest among the groups gnomAD compares: East Asian, 1.4%; 11 homozygotes.

Submissions (5):

CeGaT Center for Human Genetics Tuebingen
Classification: Likely benign. Last evaluated: 2026-08-01. Review status: criteria provided, single submitter. Criteria: CeGaT Center For Human Genetics Tuebingen Variant Classification Criteria Version 2. Collection method: clinical testing. Allele origin: germline. Affected: yes. Observed: 1 variant allele.
Comment: RNF213: BP4, BP7, BS1

Labcorp Genetics (formerly Invitae), Labcorp
Classification: Benign. Last evaluated: 2026-01-25. Review status: criteria provided, single submitter. Criteria: Invitae Variant Classification Sherloc (09022015). Collection method: clinical testing. Allele origin: germline.

Mayo Clinic Laboratories, Mayo Clinic
Classification: Benign. Last evaluated: 2025-02-28. Review status: criteria provided, single submitter. Criteria: ACMG Guidelines, 2015. Collection method: clinical testing. Allele origin: germline. Observed: 2 variant alleles.
Comment: BS1, BS2, BP4, BP7

Blueprint Genetics
Classification: Likely benign. Last evaluated: 2024-11-07. Review status: criteria provided, single submitter. Criteria: ACMG Guidelines, 2015. Collection method: clinical testing. Allele origin: germline.

Breakthrough Genomics
Classification: Benign. Review status: criteria provided, single submitter. Criteria: ACMG Guidelines, 2015. Collection method: not provided. Allele origin: germline. Inheritance: Autosomal dominant inheritance. Affected: yes.